The following is an entry in ClinVar:

ClinVar aggregate classification (germline): Uncertain significance (1 of 4 stars; one submission).

Conditions:
Bardet-Biedl syndrome (BBS). Identifiers: Orphanet 110, MedGen C0752166, MONDO:0015229.

gnomAD v4.1: 3 of 1,613,900 alleles (0.00019%); highest among the groups gnomAD compares: Non-Finnish European, 0.00025%; no homozygotes.

Submission:

Labcorp Genetics (formerly Invitae), Labcorp
Classification: Uncertain significance for Bardet-Biedl syndrome. Last evaluated: 2025-12-01. Review status: criteria provided, single submitter. Criteria: Invitae Variant Classification Sherloc (09022015). Collection method: clinical testing. Allele origin: germline.
Comment: This sequence change replaces valine, which is neutral and non-polar, with isoleucine, which is neutral and non-polar, at codon 577 of the BBS9 protein (p.Val577Ile). This variant is present in population databases (rs771905244, gnomAD 0.0009%). This variant has not been reported in the literature in individuals affected with BBS9-related conditions. Invitae Evidence Modeling of protein sequence and biophysical properties (such as structural, functional, and spatial information, amino acid conservation, physicochemical variation, residue mobility, and thermodynamic stability) indicates that this missense variant is not expected to disrupt BBS9 protein function with a negative predictive value of 80%. In summary, the available evidence is currently insufficient to determine the role of this variant in disease. Therefore, it has been classified as a Variant of Uncertain Significance.

NM_198428.3(BBS9):c.1729G>A (p.Val577Ile)

Gene: BBS9 (Bardet-Biedl syndrome 9; plus strand). Cytogenetic location: 7p14.3.
Variant type: single nucleotide variant.
Coding change: c.1729G>A on transcript NM_198428.3 (MANE Select); coding-DNA position 1729, G replaced by A.
Protein change: p.Val577Ile; replaces valine 577 with isoleucine.
Molecular consequence: missense variant. On other transcripts: non-coding transcript variant (3).
Genome position (GRCh38, 1-based): chr7:33,367,802, G>A. VCF-style: chr7-33367802-G-A. GRCh37 (hg19) VCF-style: chr7-33407414-G-A.
Other names: c.1624G>A, p.Val542Ile (NM_001033604.2); c.1714G>A, p.Val572Ile (NM_001033605.2); c.1729G>A, p.Val577Ile (NM_001348036.1, NM_001348041.4, NM_001348043.3 and 1 more transcripts); c.1363G>A, p.Val455Ile (NM_001348037.3, NM_001348045.3, NM_001348046.3); c.1456G>A, p.Val486Ile (NM_001348038.3); c.1351G>A, p.Val451Ile (NM_001348039.3); c.1609G>A, p.Val537Ile (NM_001348040.3, NM_014451.4); c.1594G>A, p.Val532Ile (NM_001348042.3); and 1 more; short protein forms V486I, V537I, V572I, V455I, V532I, V420I, V451I, V542I.
Identifiers: ClinVar variation 4738100 (VCV004738100.1).